The following is an entry in ClinVar:

ClinVar aggregate classification (germline): Likely benign (1 of 4 stars; one submission).

gnomAD v4.1: 89 of 1,613,758 alleles (0.0055%); highest among the groups gnomAD compares: Non-Finnish European, 0.0072%; no homozygotes.

Submission:

CeGaT Center for Human Genetics Tuebingen
Classification: Likely benign. Last evaluated: 2026-02-01. Review status: criteria provided, single submitter. Criteria: CeGaT Center For Human Genetics Tuebingen Variant Classification Criteria Version 2. Collection method: clinical testing. Allele origin: germline. Affected: yes. Observed: 1 variant allele.
Comment: KLC2: BP4, BP7

NM_001318734.2(KLC2):c.1776G>A (p.Glu592=)

Gene: KLC2 (kinesin light chain 2; plus strand). Cytogenetic location: 11q13.2.
Variant type: single nucleotide variant.
Coding change: c.1776G>A on transcript NM_001318734.2 (MANE Select); coding-DNA position 1776, G replaced by A.
Protein change: p.Glu592=; no amino-acid change (glutamic acid 592 retained).
Molecular consequence: synonymous variant.
Genome position (GRCh38, 1-based): chr11:66,266,481, G>A. VCF-style: chr11-66266481-G-A. GRCh37 (hg19) VCF-style: chr11-66033952-G-A.
Other names: c.1545G>A, p.Glu515= (NM_001134774.2); c.1776G>A, p.Glu592= (NM_001134775.2, NM_001134776.2, NM_022822.3).
Identifiers: ClinVar variation 4822470 (VCV004822470.4).
Genomic context (GRCh38, chr11:66,266,481, plus strand): 5'-CTTTTCCCTCAGGATGAAGCGGGCCAGTTCCCTCAACTTCCTCAACAAGAGCGTGGAAGA[G>A]CCGACCCAGGTAGGGGCAGGCGGGTGTCTGGGCACTGGGCAGCTGCGGCCGGGGCTGCAT-3'
Protein context (NP_001305663.1, residues 582-602): SLNFLNKSVE[Glu592=]PTQPGGTGLS